The following is an entry in ClinVar:

Conditions:
Arteriohepatic dysplasia. Also called: Alagille Syndrome. Identifiers: Orphanet 52, MedGen C0085280, MeSH D016738, MONDO:0007318.

Submission:

Gilbert/Spinner Lab, Children's Hospital of Philadelphia
No classification provided (evidence only). Condition: Alagille syndrome. Review status: no classification provided. Collection method: research. Allele origin: not applicable. Functional consequence: functionally_abnormal.
ClinVar note: "not provided" was previously submitted as the classification for the variant. However, the classification appeared to be based only on an observation of functional data so it was converted to no classification on 2025-07-30.

NM_000214.3(JAG1):c.824T>A (p.Ile275Asn)

Gene: JAG1 (jagged canonical Notch ligand 1; minus strand). Cytogenetic location: 20p12.2.
Variant type: single nucleotide variant.
Coding change: c.824T>A on transcript NM_000214.3 (MANE Select); coding-DNA position 824, T replaced by A.
Protein change: p.Ile275Asn; replaces isoleucine 275 with asparagine.
Molecular consequence: missense variant.
Genome position (GRCh38, 1-based): chr20:10,652,530, A>T on the plus strand (T>A on the coding strand, the complement: JAG1 is on the minus strand). VCF-style: chr20-10652530-A-T. GRCh37 (hg19) VCF-style: chr20-10633178-A-T.
Other names: short protein forms I275N.
Identifiers: ClinVar variation 3573118 (VCV003573118.2).
Genomic context (GRCh38, chr20:10,652,530, plus strand): 5'-TTGTCACAGAGCTGGCCGCCCCAGTTGGTCTCACAGAGGCACTGCCAGGGCTCATTACAG[A>T]TGCCGTGGACGCATCCCGGGTGTGGGATGCACTTATCACAGTACAGGCCTTGCCAGCCGT-3'
Protein context (NP_000205.1, residues 265-285): CIPHPGCVHG[Ile275Asn]CNEPWQCLCE